The following is an entry in ClinVar:

NM_007294.4(BRCA1):c.851del (p.Gln284fs)

Gene: BRCA1 (BRCA1 DNA repair associated; minus strand). Cytogenetic location: 17q21.31.
Variant type: Deletion.
Coding change: c.851del on transcript NM_007294.4 (MANE Select); coding-DNA position 851, one base deleted (A; older notation c.851delA).
Protein change: p.Gln284fs; shifts the reading frame from glutamine 284.
Molecular consequence: frameshift variant. On other transcripts: intron variant (137), 5 prime UTR variant (2).
Genome position (GRCh38, 1-based): chr17:43,094,680, T deleted on the plus strand (A on the coding strand, the reverse complement: BRCA1 is on the minus strand). VCF-style (leftmost placement, unchanged base first): chr17-43094679-CT-C. GRCh37 (hg19) VCF-style: chr17-41246696-CT-C.
Other names: c.851del, p.Gln284fs (NM_001407620.1, NM_001407621.1, NM_001407622.1 and 30 more transcripts); c.638del, p.Gln213fs (NM_001407571.1, NM_001407894.1, NM_001407895.1 and 9 more transcripts); c.728del, p.Gln243fs (NM_001407666.1, NM_001407667.1, NM_001407668.1 and 19 more transcripts); c.848del, p.Gln283fs (NM_001407587.1, NM_001407627.1, NM_001407590.1 and 22 more transcripts); c.725del, p.Gln242fs (NM_001407670.1, NM_001407671.1, NM_001407672.1 and 11 more transcripts); c.710del, p.Gln237fs (NM_001407735.1, NM_001407736.1, NM_001407737.1 and 29 more transcripts); c.707del, p.Gln236fs (NM_001407740.1, NM_001407741.1, NM_001407742.1 and 20 more transcripts); c.842del, p.Gln281fs (NM_001407646.1, NM_001407647.1); and 40 more; short protein forms Q237fs, Q284fs, Q116fs, Q172fs, Q242fs, Q257fs, Q281fs, Q283fs.
Identifiers: ClinVar variation 1049719 (VCV001049719.3), dbSNP rs2154489483, ClinGen allele CA2499224578.

ClinVar aggregate classification (germline): Pathogenic (0 of 4 stars; one submission).

Conditions:
Malignant tumor of breast. Also called: Malignant breast neoplasm; Cancer breast. Identifiers: MedGen C0006142, MONDO:0007254. Disease mechanism: loss of function.

Submission:

Department of Pathology and Laboratory Medicine, Sinai Health System
Classification: Pathogenic for Malignant tumor of breast. Review status: no assertion criteria provided. Collection method: clinical testing. Allele origin: unknown. Affected: yes. Study: The Canadian Open Genetics Repository (COGR).
Comment: The BRCA1 p.Gln284ArgfsX14 variant was not identified in the literature, nor was it identified in dbSNP, the 1000 Genomes Project, the NHLBI Exome Sequencing Project, the Exome Aggregation Consortium, the genome Aggregation Database (beta), GeneInsight COGR, ClinVar, Clinvitae, COSMIC, MutDB, BRCA Share, ARUP Laboratories BRCA Mutations Database, the Fanconi Anemia Mutation Database (LOVD). The c.851del variant is predicted to cause a frameshift, which alters the protein's amino acid sequence beginning at codon 284 and leads to a premature stop codon 14 codons downstream. This alteration is then predicted to result in a truncated or absent protein and loss of function. Loss of function variants of the BRCA1 gene are an established mechanism of disease in hereditary breast and ovarian cancer and is the type of variant expected to cause the disorder. In summary, based on the above information, this variant meets our laboratoryâ€šÃ„Ã´s criteria to be classified as pathogenic.